The following is an entry in ClinVar:

NM_000153.4(GALC):c.1335_1336del (p.Trp446fs)

Gene: GALC (galactosylceramidase; minus strand). Cytogenetic location: 14q31.3.
Variant type: Deletion.
Coding change: c.1335_1336del on transcript NM_000153.4 (MANE Select); coding-DNA positions 1335 to 1336, 2 bases deleted (AT; older notation c.1335_1336delAT).
Protein change: p.Trp446fs; shifts the reading frame from tryptophan 446.
Molecular consequence: frameshift variant.
Genome position (GRCh38, 1-based): chr14:87,949,847-87,949,848, AT deleted on the plus strand (AT on the coding strand, the reverse complement: GALC is on the minus strand); deleting any 2 consecutive bases within chr14:87,949,847-87,949,849 gives the same sequence; the c. name uses the placement nearest the transcript's 3' end. VCF-style (leftmost placement, unchanged base first): chr14-87949846-CAT-C. GRCh37 (hg19) VCF-style: chr14-88416190-CAT-C.
Other names: c.1266_1267del, p.Trp423fs (NM_001201401.2); c.1257_1258del, p.Trp420fs (NM_001201402.2); short protein forms W446fs, W420fs, W423fs.
Identifiers: ClinVar variation 958166 (VCV000958166.14), dbSNP rs1885229622, ClinGen allele CA487355721.

ClinVar aggregate classification (germline): Pathogenic. Review status: criteria provided, multiple submitters, no conflicts (2 of 4 stars). 2 submissions from 2 submitters: Pathogenic (2). Last evaluated 2025-01-24.

Conditions:
Galactosylceramide beta-galactosidase deficiency. Also called: Leukodystrophy, Globoid Cell; Krabbe Disease; GALACTOCEREBROSIDASE DEFICIENCY; GALC DEFICIENCY; GLOBOID CELL LEUKOENCEPHALOPATHY. Identifiers: Orphanet 487, MedGen C0023521, MONDO:0009499, OMIM 245200.

Submissions (2):

Natera, Inc.
Classification: Pathogenic for Galactosylceramide beta-galactosidase deficiency. Last evaluated: 2025-01-24. Review status: criteria provided, single submitter. Criteria: Natera Variant Classification Schema (03/2026). Collection method: clinical testing. Allele origin: germline.
Comment: The c.1335_1336del variant in GALC is a frameshift variant predicted to shift the reading frame beginning at codon 446 and leads to a stop codon 3 codons downstream. This variant is expected to result in nonsense mediated decay, truncation, or a dysfunctional protein product. This variant is rare in the general population with a frequency below the threshold expected for the associated phenotype(s). This variant has been observed in one or more individuals affected with the associated recessive disease, as either homozygous or compound heterozygous with a second variant (PMID: 21824559). Given the available evidence, this variant is classified as Pathogenic.

Labcorp Genetics (formerly Invitae), Labcorp
Classification: Pathogenic for Galactosylceramide beta-galactosidase deficiency. Last evaluated: 2023-01-24. Review status: criteria provided, single submitter. Criteria: Invitae Variant Classification Sherloc (09022015). Collection method: clinical testing. Allele origin: germline.
Comment: For these reasons, this variant has been classified as Pathogenic. ClinVar contains an entry for this variant (Variation ID: 958166). This variant is also known as p.W430AfsX3. This premature translational stop signal has been observed in individual(s) with Krabbe Disease (PMID: 21824559). This variant is not present in population databases (gnomAD no frequency). This sequence change creates a premature translational stop signal (p.Trp446Alafs*3) in the GALC gene. It is expected to result in an absent or disrupted protein product. Loss-of-function variants in GALC are known to be pathogenic (PMID: 7437911, 9272171, 16607461).

Literature cited by the submitters: PubMed 21824559 (cited by Natera, Inc. and Labcorp Genetics (formerly Invitae), Labcorp); PubMed 7437911 (cited by Labcorp Genetics (formerly Invitae), Labcorp); PubMed 9272171 (cited by Labcorp Genetics (formerly Invitae), Labcorp); PubMed 16607461 (cited by Labcorp Genetics (formerly Invitae), Labcorp).